The following is an entry in ClinVar:

ClinVar aggregate classification (germline): Uncertain significance. Review status: criteria provided, multiple submitters, no conflicts (2 of 4 stars). 2 submissions from 2 submitters: Uncertain significance (2). Last evaluated 2025-03-27.

Conditions:
Gastrointestinal stromal tumor. Also called: Gastrointestinal stromal tumor, somatic; Gastrointestinal stroma tumor. Identifiers: Orphanet 44890, MedGen C0238198, MeSH D046152, MONDO:0011719, OMIM 606764, HP:0100723.
Hereditary cancer-predisposing syndrome. Also called: Tumor predisposition; Neoplastic Syndromes, Hereditary; Hereditary Cancer Syndrome; Hereditary neoplastic syndrome. Identifiers: Orphanet 140162, MedGen C0027672, MeSH D009386, MONDO:0015356.

Allele frequency attached by ClinVar (database versions not stated): gnomAD exomes below 0.00001; gnomAD 0.00001.
gnomAD v4.1: 2 of 1,610,612 alleles (0.00012%); highest among the groups gnomAD compares: Admixed American, 0.0033%; no homozygotes.

Submissions (2):

Ambry Genetics
Classification: Uncertain significance for Hereditary cancer-predisposing syndrome. Last evaluated: 2025-03-27. Review status: criteria provided, single submitter. Criteria: Ambry Variant Classification Scheme 2023. Collection method: clinical testing. Allele origin: germline.
Comment: The c.367+5G>A intronic variant results from a G to A substitution 5 nucleotides after coding exon 2 in the PDGFRA gene. This nucleotide position is highly conserved in available vertebrate species. In silico splice site analysis for this alteration is inconclusive. Based on the available evidence, the clinical significance of this variant remains unclear.

Labcorp Genetics (formerly Invitae), Labcorp
Classification: Uncertain significance for Gastrointestinal stromal tumor. Last evaluated: 2024-07-08. Review status: criteria provided, single submitter. Criteria: Invitae Variant Classification Sherloc (09022015). Collection method: clinical testing. Allele origin: germline.
Comment: This sequence change falls in intron 3 of the PDGFRA gene. It does not directly change the encoded amino acid sequence of the PDGFRA protein. It affects a nucleotide within the consensus splice site. This variant is present in population databases (no rsID available, gnomAD 0.003%). This variant has not been reported in the literature in individuals affected with PDGFRA-related conditions. ClinVar contains an entry for this variant (Variation ID: 1509578). Variants that disrupt the consensus splice site are a relatively common cause of aberrant splicing (PMID: 17576681, 9536098). Algorithms developed to predict the effect of sequence changes on RNA splicing suggest that this variant may disrupt the consensus splice site. In summary, the available evidence is currently insufficient to determine the role of this variant in disease. Therefore, it has been classified as a Variant of Uncertain Significance.

Literature cited by the submitters: PubMed 17576681 (cited by Labcorp Genetics (formerly Invitae), Labcorp); PubMed 9536098 (cited by Labcorp Genetics (formerly Invitae), Labcorp).

NM_006206.6(PDGFRA):c.367+5G>A

Gene: PDGFRA (platelet derived growth factor receptor alpha; plus strand). Cytogenetic location: 4q12.
Variant type: single nucleotide variant.
Coding change: c.367+5G>A on transcript NM_006206.6 (MANE Select); 5 bases into the intron after coding-DNA position 367, G replaced by A.
Molecular consequence: intron variant.
Genome position (GRCh38, 1-based): chr4:54,261,417, G>A. VCF-style: chr4-54261417-G-A. GRCh37 (hg19) VCF-style: chr4-55127584-G-A.
Other names: c.442+5G>A (NM_001347828.2); c.367+5G>A (NM_001347827.2, NM_001347829.2, NM_006206.4); c.406+5G>A (NM_001347830.2).
Identifiers: ClinVar variation 1509578 (VCV001509578.7), dbSNP rs1173755064, ClinGen allele CA551365134.